The following is an entry in ClinVar:

ClinVar aggregate classification (germline): Conflicting classifications of pathogenicity. Review status: criteria provided, conflicting classifications (1 of 4 stars). 5 submissions from 5 submitters: Uncertain significance (2); Benign (1); Likely benign (2). Last evaluated 2025-11-23.

Conditions:
Kabuki syndrome. Also called: Kabuki make-up syndrome; NIIKAWA-KUROKI SYNDROME. Identifiers: Orphanet 2322, MedGen C0796004, MONDO:0016512.
Kabuki syndrome 1 (KABUK1). Also called: KMT2D-Related Kabuki Syndrome. Identifiers: Orphanet 2322, MedGen CN030661, MONDO:0007843, OMIM 147920.

Allele frequency attached by ClinVar (database versions not stated): ExAC 0.00003; gnomAD exomes 0.00004 and 0.00011; ESP Exome Variant Server 0.00008.
gnomAD v4.1: 168 of 1,589,438 alleles (0.011%); highest among the groups gnomAD compares: Non-Finnish European, 0.014%; no homozygotes.

Submissions (5):

Labcorp Genetics (formerly Invitae), Labcorp
Classification: Benign for Kabuki syndrome. Last evaluated: 2025-11-23. Review status: criteria provided, single submitter. Criteria: Invitae Variant Classification Sherloc (09022015). Collection method: clinical testing. Allele origin: germline.

Blueprint Genetics
Classification: Likely benign. Last evaluated: 2023-12-18. Review status: criteria provided, single submitter. Criteria: ACMG Guidelines, 2015. Collection method: clinical testing. Allele origin: germline.

CeGaT Center for Human Genetics Tuebingen
Classification: Likely benign. Last evaluated: 2023-12-01. Review status: criteria provided, single submitter. Criteria: CeGaT Center For Human Genetics Tuebingen Variant Classification Criteria Version 2. Collection method: clinical testing. Allele origin: germline. Affected: yes. Observed: 1 variant allele.
Comment: KMT2D: BP4

Fulgent Genetics
Classification: Uncertain significance for Kabuki syndrome 1. Last evaluated: 2021-11-04. Review status: criteria provided, single submitter. Criteria: ACMG Guidelines, 2015. Collection method: clinical testing. Allele origin: unknown.

Eurofins Ntd Llc (ga)
Classification: Uncertain significance. Last evaluated: 2015-02-19. Review status: criteria provided, single submitter. Criteria: EGL Classification Definitions 2015. Collection method: clinical testing. Allele origin: germline. Observed: 1 variant allele, 1 heterozygote.

NM_003482.4(KMT2D):c.2368C>T (p.Pro790Ser)

Gene: KMT2D (lysine methyltransferase 2D; minus strand). Cytogenetic location: 12q13.12.
Variant type: single nucleotide variant.
Coding change: c.2368C>T on transcript NM_003482.4 (MANE Select); coding-DNA position 2368, C replaced by T.
Protein change: p.Pro790Ser; replaces proline 790 with serine.
Molecular consequence: missense variant.
Genome position (GRCh38, 1-based): chr12:49,051,315, G>A on the plus strand (C>T on the coding strand, the complement: KMT2D is on the minus strand). VCF-style: chr12-49051315-G-A. GRCh37 (hg19) VCF-style: chr12-49445098-G-A.
Other names: short protein forms P790S.
Identifiers: ClinVar variation 193657 (VCV000193657.33), dbSNP rs376911077, ClinGen allele CA239236.
Genomic context (GRCh38, chr12:49,051,315, plus strand): 5'-TCTGGGGGGACAGGTGCAATTCCTCAGGCTGAGGGGACAGATGTGGTCCCTCAGCCTGGG[G>A]GGACAAGTGTGGCTCCTCAGGCACAGCGCATAGGCATGGCTCCTCAGGCTGGGGGGACAG-3'
Protein context (NP_003473.3, residues 780-800): CAVPEEPHLS[Pro790Ser]QAEGPHLSPQ